The following is an entry in ClinVar:

ClinVar aggregate classification (germline): Uncertain significance (1 of 4 stars; one submission).

gnomAD v4.1: 3 of 1,613,714 alleles (0.00019%); highest among the groups gnomAD compares: Non-Finnish European, 0.00025%; no homozygotes.

Submission:

Ambry Genetics
Classification: Uncertain significance. Last evaluated: 2025-09-29. Review status: criteria provided, single submitter. Criteria: Ambry Variant Classification Scheme 2023. Collection method: clinical testing. Allele origin: germline.
Comment: The p.M94V variant (also known as c.280A>G), located in coding exon 2 of the ATRIP gene, results from an A to G substitution at nucleotide position 280. The methionine at codon 94 is replaced by valine, an amino acid with highly similar properties. This amino acid position is conserved. In addition, this alteration is predicted to be tolerated by in silico analysis. Based on the available evidence, the clinical significance of this variant remains unclear.

NM_130384.3(ATRIP):c.280A>G (p.Met94Val)

Genes: ATRIP (ATR interacting protein; plus strand), ATRIP-TREX1 (ATRIP-TREX1 readthrough; plus strand). Cytogenetic location: 3p21.31.
Variant type: single nucleotide variant.
Coding change: c.280A>G on transcript NM_130384.3 (MANE Select); coding-DNA position 280, A replaced by G.
Protein change: p.Met94Val; replaces methionine 94 with valine.
Molecular consequence: missense variant. On other transcripts: non-coding transcript variant (1), 5 prime UTR variant (1), initiator codon variant (1).
Genome position (GRCh38, 1-based): chr3:48,450,069, A>G. VCF-style: chr3-48450069-A-G. GRCh37 (hg19) VCF-style: chr3-48491475-A-G.
Other names: c.-185A>G (NM_001271022.2); c.1A>G, p.Met1Val (NM_001271023.2); c.280A>G, p.Met94Val (NM_032166.4); short protein forms M1V, M94V.
Identifiers: ClinVar variation 4644521 (VCV004644521.1).